The following is an entry in ClinVar:

ClinVar aggregate classification (germline): Uncertain significance (0 of 4 stars; one submission).

Conditions:
GLI1-related disorder. Also called: GLI1-related condition.

Submission:

PreventionGenetics, part of Exact Sciences
Classification: Uncertain significance for GLI1-related condition. Last evaluated: 2024-01-22. Review status: no assertion criteria provided. Collection method: clinical testing. Allele origin: germline.
Comment: The GLI1 c.713G>T variant is predicted to result in the amino acid substitution p.Arg238Leu. To our knowledge, this variant has not been reported in the literature or in a large population database, indicating this variant is rare. At this time, the clinical significance of this variant is uncertain due to the absence of conclusive functional and genetic evidence.

NM_005269.3(GLI1):c.713G>T (p.Arg238Leu)

Gene: GLI1 (GLI family zinc finger 1; plus strand). Cytogenetic location: 12q13.3.
Variant type: single nucleotide variant.
Coding change: c.713G>T on transcript NM_005269.3 (MANE Select); coding-DNA position 713, G replaced by T.
Protein change: p.Arg238Leu; replaces arginine 238 with leucine.
Molecular consequence: missense variant.
Genome position (GRCh38, 1-based): chr12:57,465,876, G>T. VCF-style: chr12-57465876-G-T. GRCh37 (hg19) VCF-style: chr12-57859659-G-T.
Other names: c.329G>T, p.Arg110Leu (NM_001160045.2); c.590G>T, p.Arg197Leu (NM_001167609.2); short protein forms R110L, R197L, R238L.
Identifiers: ClinVar variation 2633545 (VCV002633545.3), dbSNP rs548133983, ClinGen allele CA385463441.